The following is an entry in ClinVar:

ClinVar aggregate classification (germline): Uncertain significance (1 of 4 stars; one submission).

Submission:

GeneDx
Classification: Uncertain significance. Last evaluated: 2023-12-13. Review status: criteria provided, single submitter. Criteria: GeneDx Variant Classification Process June 2021. Collection method: clinical testing. Allele origin: germline. Affected: yes.
Comment: Not observed at significant frequency in large population cohorts (gnomAD); In silico analysis supports that this missense variant has a deleterious effect on protein structure/function; Has not been previously published as pathogenic or benign to our knowledge

NM_006734.4(HIVEP2):c.7208C>T (p.Pro2403Leu)

Gene: HIVEP2 (HIVEP zinc finger 2; minus strand). Cytogenetic location: 6q24.2.
Variant type: single nucleotide variant.
Coding change: c.7208C>T on transcript NM_006734.4 (MANE Select); coding-DNA position 7208, C replaced by T.
Protein change: p.Pro2403Leu; replaces proline 2403 with leucine.
Molecular consequence: missense variant.
Genome position (GRCh38, 1-based): chr6:142,753,240, G>A on the plus strand (C>T on the coding strand, the complement: HIVEP2 is on the minus strand). VCF-style: chr6-142753240-G-A. GRCh37 (hg19) VCF-style: chr6-143074377-G-A.
Other names: short protein forms P2403L.
Identifiers: ClinVar variation 3365661 (VCV003365661.1).
Genomic context (GRCh38, chr6:142,753,240, plus strand): 5'-TGAAAGTCCAACTGCTTGTCATCCACACAACTCTTGCTGTAAAACGTGGAGTGAGCTAAT[G>A]GAGTCTGTGATGTACCAAAATTGTCCTTTTCACCATCATGCAAGTCAGGGTGGGTGGCTG-3'
Protein context (NP_006725.3, residues 2393-2413): EKDNFGTSQT[Pro2403Leu]LAHSTFYSKS